The following is an entry in ClinVar:

NM_000128.4(F11):c.596_606delinsTCCCT (p.Ala199_Arg202delinsValPro)

Gene: F11 (coagulation factor XI; plus strand). Cytogenetic location: 4q35.2.
Variant type: Indel.
Coding change: c.596_606delinsTCCCT on transcript NM_000128.4 (MANE Select); coding-DNA positions 596 to 606, CTTGTATTAGG replaced by TCCCT.
Protein change: p.Ala199_Arg202delinsValPro.
Molecular consequence: inframe indel.
Genome position (GRCh38, 1-based): chr4:186,276,231-186,276,241, CTTGTATTAGG replaced by TCCCT. VCF-style: chr4-186276231-CTTGTATTAGG-TCCCT. GRCh37 (hg19) VCF-style: chr4-187197385-CTTGTATTAGG-TCCCT.
Other names: c.596_606delCTTGTATTAGGinsTCCCT, p.Ala199_Arg202delinsValPro (NM_000128.3).
Identifiers: ClinVar variation 2578264 (VCV002578264.1), dbSNP rs2477276987, ClinGen allele CA2580617700.

ClinVar aggregate classification (germline): Uncertain significance (1 of 4 stars; one submission).

Submission:

GeneDx
Classification: Uncertain significance. Last evaluated: 2023-03-01. Review status: criteria provided, single submitter. Criteria: GeneDx Variant Classification Process June 2021. Collection method: clinical testing. Allele origin: germline. Affected: yes.
Comment: In-frame deletion of 4 amino acids and insertion of 2 amino acids in a non-repeat region; Not observed at significant frequency in large population cohorts (gnomAD); In silico analysis is inconclusive as to whether the variant alters gene splicing. In the absence of RNA/functional studies, the actual effect of this sequence change is unknown.; Has not been previously published as pathogenic or benign to our knowledge